The following is an entry in ClinVar:

NM_004260.4(RECQL4):c.1594C>T (p.Pro532Ser)

Gene: RECQL4 (RecQ like helicase 4; minus strand). Cytogenetic location: 8q24.3.
Variant type: single nucleotide variant.
Coding change: c.1594C>T on transcript NM_004260.4 (MANE Select); coding-DNA position 1594, C replaced by T.
Protein change: p.Pro532Ser; replaces proline 532 with serine.
Molecular consequence: missense variant. On other transcripts: non-coding transcript variant (3).
Genome position (GRCh38, 1-based): chr8:144,514,962, G>A on the plus strand (C>T on the coding strand, the complement: RECQL4 is on the minus strand). VCF-style: chr8-144514962-G-A. GRCh37 (hg19) VCF-style: chr8-145740346-G-A.
Other names: c.1498C>T, p.Pro500Ser (NM_001413017.1, NM_001413020.1); c.1594C>T, p.Pro532Ser (NM_001413018.1, NM_001413019.1, NM_001413033.1 and 1 more transcripts); c.523C>T, p.Pro175Ser (NM_001413021.1, NM_001413022.1, NM_001413023.1 and 7 more transcripts); c.1465C>T, p.Pro489Ser (NM_001413025.1); c.457C>T, p.Pro153Ser (NM_001413027.1, NM_001413030.1, NM_001413031.1 and 2 more transcripts); c.1243C>T, p.Pro415Ser (NM_001413029.1); c.1564C>T, p.Pro522Ser (NM_001413039.1); c.493C>T, p.Pro165Ser (NM_001413042.1); and 1 more; short protein forms P415S, P43S, P500S, P153S, P489S, P532S, P522S, P165S.
Identifiers: ClinVar variation 2808983 (VCV002808983.3), dbSNP rs763278718, ClinGen allele CA4948789.

ClinVar aggregate classification (germline): Uncertain significance (1 of 4 stars; one submission).

Conditions:
Baller-Gerold syndrome (BGS). Also called: CRANIOSYNOSTOSIS WITH RADIAL DEFECTS. Identifiers: Orphanet 1225, MedGen C0265308, MONDO:0009039, OMIM 218600.

gnomAD v4.1: 2 of 1,611,848 alleles (0.00012%); highest among the groups gnomAD compares: African/African-American, 0.0013%; no homozygotes.

Submission:

Labcorp Genetics (formerly Invitae), Labcorp
Classification: Uncertain significance for Baller-Gerold syndrome. Last evaluated: 2023-07-27. Review status: criteria provided, single submitter. Criteria: Invitae Variant Classification Sherloc (09022015). Collection method: clinical testing. Allele origin: germline.
Comment: This sequence change replaces proline, which is neutral and non-polar, with serine, which is neutral and polar, at codon 532 of the RECQL4 protein (p.Pro532Ser). The frequency data for this variant in the population databases is considered unreliable, as metrics indicate poor data quality at this position in the gnomAD database. This variant has not been reported in the literature in individuals affected with RECQL4-related conditions. Advanced modeling of protein sequence and biophysical properties (such as structural, functional, and spatial information, amino acid conservation, physicochemical variation, residue mobility, and thermodynamic stability) performed at Invitae indicates that this missense variant is expected to disrupt RECQL4 protein function. In summary, the available evidence is currently insufficient to determine the role of this variant in disease. Therefore, it has been classified as a Variant of Uncertain Significance.